The following is an entry in ClinVar:

ClinVar aggregate classification (germline): Uncertain significance (1 of 4 stars; one submission).

Conditions:
Epileptic encephalopathy. Identifiers: MedGen C0543888, HP:0200134.

Submission:

Labcorp Genetics (formerly Invitae), Labcorp
Classification: Uncertain significance for Epileptic encephalopathy. Last evaluated: 2022-06-04. Review status: criteria provided, single submitter. Criteria: Invitae Variant Classification Sherloc (09022015). Collection method: clinical testing. Allele origin: germline.
Comment: In summary, the available evidence is currently insufficient to determine the role of this variant in disease. Therefore, it has been classified as a Variant of Uncertain Significance. Algorithms developed to predict the effect of missense changes on protein structure and function (SIFT, PolyPhen-2, Align-GVGD) all suggest that this variant is likely to be tolerated. ClinVar contains an entry for this variant (Variation ID: 971662). This variant has not been reported in the literature in individuals affected with FASN-related conditions. This variant is not present in population databases (gnomAD no frequency). This sequence change replaces alanine, which is neutral and non-polar, with glycine, which is neutral and non-polar, at codon 2132 of the FASN protein (p.Ala2132Gly).

NM_004104.5(FASN):c.6395C>G (p.Ala2132Gly)

Gene: FASN (fatty acid synthase; minus strand). Cytogenetic location: 17q25.3.
Variant type: single nucleotide variant.
Coding change: c.6395C>G on transcript NM_004104.5 (MANE Select); coding-DNA position 6395, C replaced by G.
Protein change: p.Ala2132Gly; replaces alanine 2132 with glycine.
Molecular consequence: missense variant.
Genome position (GRCh38, 1-based): chr17:82,081,612, G>C on the plus strand (C>G on the coding strand, the complement: FASN is on the minus strand). VCF-style: chr17-82081612-G-C. GRCh37 (hg19) VCF-style: chr17-80039488-G-C.
Other names: short protein forms A2132G.
Identifiers: ClinVar variation 971662 (VCV000971662.8), dbSNP rs2033988397, ClinGen allele CA401600621.
Genomic context (GRCh38, chr17:82,081,612, plus strand): 5'-GATGCCAGCAGGGGAAACACCTGGCGCGGCTCCTACTGGGAGTGCTCACCCAGGATGTGT[G>C]CCACGGCCTCCACCAGGTCCCGCTGGCTGTCCCTGTCCCTATAGGCCGCAGCCTTCTCAG-3'
Protein context (NP_004095.4, residues 2122-2142): DSQRDLVEAV[Ala2132Gly]HILGIRDLAA